The following is an entry in ClinVar:

ClinVar aggregate classification (germline): Uncertain significance (1 of 4 stars; one submission).

Conditions:
Hypertrophic cardiomyopathy 10. Also called: MYL2-Related Familial Hypertrophic Cardiomyopathy; CARDIOMYOPATHY, HYPERTROPHIC, MID-LEFT VENTRICULAR CHAMBER TYPE, 2. Identifiers: MedGen C1834460, MONDO:0012112, OMIM 608758.

Submission:

Labcorp Genetics (formerly Invitae), Labcorp
Classification: Uncertain significance for Hypertrophic cardiomyopathy 10. Last evaluated: 2018-01-14. Review status: criteria provided, single submitter. Criteria: Invitae Variant Classification Sherloc (09022015). Collection method: clinical testing. Allele origin: germline.
Comment: In summary, the available evidence is currently insufficient to determine the role of this variant in disease. Therefore, it has been classified as a Variant of Uncertain Significance. Experimental studies and prediction algorithms are not available for this variant, and the functional significance of the duplicated amino acid is currently unknown. This variant has not been reported in the literature in individuals with MYL2-related disease. This variant is not present in population databases (ExAC no frequency). This variant, c.476_478dupTCA, results in the insertion of 1 amino acid to the MYL2 protein (p.Ile159dup), but otherwise preserves the integrity of the reading frame.

NM_000432.4(MYL2):c.473TCA[3] (p.Ile159dup)

Gene: MYL2 (myosin light chain 2; minus strand). Cytogenetic location: 12q24.11.
Variant type: Microsatellite.
Coding change: c.473TCA[3] on transcript NM_000432.4 (MANE Select); three copies in a row of the 3-base unit TCA starting at c.473; the reference has two copies in a row; one copy, 3 bases duplicated.
Protein change: p.Ile159dup; duplicates isoleucine 159.
Molecular consequence: inframe insertion.
Genome position (GRCh38, 1-based): chr12:110,911,100-110,911,102, TGA duplicated on the plus strand (TCA on the coding strand, the reverse complement: MYL2 is on the minus strand); duplicating any 3 consecutive bases within chr12:110,911,100-110,911,107 gives the same sequence; the position shown is the placement nearest the transcript's 3' end. VCF-style (leftmost placement, unchanged base first): chr12-110911099-G-GTGA. GRCh37 (hg19) VCF-style: chr12-111348903-G-GTGA.
Identifiers: ClinVar variation 582167 (VCV000582167.9), dbSNP rs1566147363, ClinGen allele CA891844540.
Genomic context (GRCh38, chr12:110,911,099, plus strand): 5'-TGCAAAGACGAGCCCAGGGCGCAGCAGCGAGCCCCCTCCTAGTCCTTCTCTTCTCCGTGG[G>GTGA]TGATGATGTGCACCAGGTTCTTGTAGTCCAAGTTGCCAGTCACGTCAGGGGGGAAGGCGG-3'